The following is an entry in ClinVar:

ClinVar aggregate classification (germline): Uncertain significance (1 of 4 stars; one submission).

Submission:

Ambry Genetics
Classification: Uncertain significance. Last evaluated: 2025-07-25. Review status: criteria provided, single submitter. Criteria: Ambry Variant Classification Scheme 2023. Collection method: clinical testing. Allele origin: germline.
Comment: The p.S1512F variant (also known as c.4535C>T), located in coding exon 19 of the WNK2 gene, results from a C to T substitution at nucleotide position 4535. The serine at codon 1512 is replaced by phenylalanine, an amino acid with highly dissimilar properties. This amino acid position is conserved. In addition, this alteration is predicted to be tolerated by in silico analysis. Based on the available evidence, the clinical significance of this variant remains unclear.

NM_006648.4(WNK2):c.4535C>T (p.Ser1512Phe)

Gene: WNK2 (WNK lysine deficient protein kinase 2; plus strand). Cytogenetic location: 9q22.31.
Variant type: single nucleotide variant.
Coding change: c.4535C>T on transcript NM_006648.4 (MANE Select); coding-DNA position 4535, C replaced by T.
Protein change: p.Ser1512Phe; replaces serine 1512 with phenylalanine.
Molecular consequence: missense variant.
Genome position (GRCh38, 1-based): chr9:93,289,289, C>T. VCF-style: chr9-93289289-C-T. GRCh37 (hg19) VCF-style: chr9-96051571-C-T.
Other names: c.4646C>T, p.Ser1549Phe (NM_001282394.3); short protein forms S1512F, S1549F.
Identifiers: ClinVar variation 4201660 (VCV004201660.1).
Genomic context (GRCh38, chr9:93,289,289, plus strand): 5'-CCTTGGGTCAACCTGCTCCCCTGCTTCCTGCCGCAGTGGGGGCCGTCAGCCTGGCCACCT[C>T]CCAGCTCCCAAGCCCACCCCTGGGGCCCACCGTCCCCCCACAGCCACCCTCGGCCCTGGA-3'
Protein context (NP_006639.3, residues 1502-1522): AAVGAVSLAT[Ser1512Phe]QLPSPPLGPT